The following is an entry in ClinVar:

ClinVar aggregate classification (germline): Pathogenic. Review status: criteria provided, multiple submitters, no conflicts (2 of 4 stars). 11 submissions from 11 submitters: Pathogenic (10). 1 of the submissions does not count toward it. Last evaluated 2025-09-03.

Conditions:
Fanconi anemia complementation group G. Also called: Fanconi anemia group G; FANCG-Related Fanconi Anemia. Identifiers: Orphanet 84, MedGen C3469527, MONDO:0013565, OMIM 614082.
Fanconi anemia (FA). Also called: Fanconi's anemia. Identifiers: Orphanet 84, MedGen C0015625, MeSH D005199, MONDO:0019391.

Allele frequency attached by ClinVar (database versions not stated): ExAC 0.00001; gnomAD exomes 0.00001 and 0.00002; TOPMed 0.00002.
gnomAD v4.1: 10 of 1,613,928 alleles (0.00062%); highest among the groups gnomAD compares: Admixed American, 0.005%; no homozygotes.

Submissions (11):

Labcorp Genetics (formerly Invitae), Labcorp
Classification: Pathogenic for Fanconi anemia. Last evaluated: 2025-09-03. Review status: criteria provided, single submitter. Criteria: Invitae Variant Classification Sherloc (09022015). Collection method: clinical testing. Allele origin: germline.
Comment: This sequence change affects an acceptor splice site in intron 8 of the FANCG gene. RNA analysis indicates that disruption of this splice site induces altered splicing and may result in an absent or altered protein product. This variant is present in population databases (rs769547477, gnomAD 0.009%). Disruption of this splice site has been observed in individuals with Fanconi anaemia (PMID: 11093276, 12552564, 28717661). This variant is also known as IVS8-2A>G. ClinVar contains an entry for this variant (Variation ID: 445394). Studies have shown that disruption of this splice site results in skipping of exon 9 and activation of a cryptic splice site, and produces a non-functional protein and/or introduces a premature termination codon (PMID: 11093276). For these reasons, this variant has been classified as Pathogenic.

GeneDx
Classification: Pathogenic. Last evaluated: 2025-01-25. Review status: criteria provided, single submitter. Criteria: GeneDx Variant Classification Process June 2021. Collection method: clinical testing. Allele origin: germline. Affected: yes.
Comment: Published functional studies demonstrate a damaging effect (exon skipping or usage of a cryptic splice donor site leading to multiple aberrant transcripts) (PMID: 12552564); This variant is associated with the following publications: (PMID: 35216452, 25525159, 11438206, 33718801, 11093276, 12552564)

Natera, Inc.
Classification: Pathogenic for Fanconi anemia group G. Last evaluated: 2024-09-19. Review status: criteria provided, single submitter. Criteria: Natera Variant Classification Schema (03/2026). Collection method: clinical testing. Allele origin: germline.
Comment: The c.1077-2A>G variant in FANCG is a canonical splice acceptor site variant predicted to affect pre-mRNA splicing, which may result in an abnormal transcript and altered protein product. This variant is expected to result in nonsense mediated decay, truncation, or a dysfunctional protein product. This variant is rare in the general population with a frequency below the threshold expected for the associated phenotype(s). This variant has been observed in one or more individuals affected with the associated recessive disease, as either homozygous or compound heterozygous with a second variant (PMID: 17924555). Given the available evidence, this variant is classified as Pathogenic.

Dasa
Classification: Pathogenic. Last evaluated: 2024-07-25. Review status: criteria provided, single submitter. Criteria: DASA Assertion Criteria. Collection method: clinical testing. Allele origin: germline.
Comment: NM_004629.2(FANCG):c.1077-2A>G affects a canonical splice site and is predicted to disrupt normal RNA splicing, leading to loss of normal protein function. Loss-of-function is an established mechanism of disease for this gene. The variant is present at low frequency in population datasets. Based on the available data, this variant is classified as pathogenic.

Baylor Genetics
Classification: Pathogenic for Fanconi anemia complementation group G. Last evaluated: 2024-01-21. Review status: criteria provided, single submitter. Criteria: ACMG Guidelines, 2015. Collection method: clinical testing. Allele origin: unknown.

Fulgent Genetics
Classification: Pathogenic for Fanconi anemia complementation group G. Last evaluated: 2023-12-21. Review status: criteria provided, single submitter. Criteria: ACMG Guidelines, 2015. Collection method: clinical testing. Allele origin: germline.

Laboratorio de Genetica e Diagnostico Molecular, Hospital Israelita Albert Einstein
Classification: Pathogenic for Fanconi anemia complementation group G. Last evaluated: 2021-11-27. Review status: criteria provided, single submitter. Criteria: ACMG Guidelines, 2015. Collection method: clinical testing. Allele origin: germline. Affected: yes.
Comment: ACMG classification criteria: PVS1 very strong, PS3 supporting, PS4 moderate, PM2 moderate, PM3 moderate, PP1 supporting

Greenwood Genetic Center Diagnostic Laboratories, Greenwood Genetic Center
Classification: Pathogenic. Last evaluated: 2021-02-09. Review status: criteria provided, single submitter. Criteria: ACMG Guidelines, 2015. Collection method: clinical testing. Allele origin: germline. Affected: yes.
Comment: PVS1, PS3, PM2

Center for Pediatric Genomic Medicine, Children's Mercy Hospital and Clinics
Classification: Pathogenic. Last evaluated: 2017-05-31. Review status: criteria provided, single submitter. Criteria: ACMG Guidelines, 2015. Collection method: clinical testing. Allele origin: germline.

Molecular Diagnostics Laboratory, M Health Fairview: University of Minnesota
Classification: Pathogenic for Fanconi anemia complementation group G. Last evaluated: 2017-03-31. Review status: criteria provided, single submitter. Criteria: ACMG Guidelines, 2015. Collection method: clinical testing. Allele origin: germline. Affected: yes. Observed: 1 variant allele.

Leiden Open Variation Database
Classification: Pathogenic for Fanconi anemia complementation group G. Last evaluated: 2020-02-28. Review status: no assertion criteria provided. Collection method: curation. Allele origin: germline. Affected: no. Not counted in ClinVar's aggregate classification.
Comment: Curator: Arleen D. Auerbach. Submitters to LOVD: Arleen D. Auerbach, Avani P. Solanki, Daniela Pilonetto, Johan de Winter.

Literature cited by the submitters: PubMed 11093276 (cited by Labcorp Genetics (formerly Invitae), Labcorp and Leiden Open Variation Database); PubMed 12552564 (cited by 3 submitters); PubMed 28717661 (cited by Labcorp Genetics (formerly Invitae), Labcorp); PubMed 17924555 (cited by Natera, Inc. and Leiden Open Variation Database); PubMed 11438206 (cited by Leiden Open Variation Database).

NM_004629.2(FANCG):c.1077-2A>G

Gene: FANCG (FA complementation group G; minus strand). Cytogenetic location: 9p13.3.
Variant type: single nucleotide variant.
Coding change: c.1077-2A>G on transcript NM_004629.2 (MANE Select); the canonical splice acceptor site of the intron before coding-DNA position 1077, A replaced by G.
Molecular consequence: splice acceptor variant.
Genome position (GRCh38, 1-based): chr9:35,076,030, T>C on the plus strand (A>G on the coding strand, the complement: FANCG is on the minus strand). VCF-style: chr9-35076030-T-C. GRCh37 (hg19) VCF-style: chr9-35076027-T-C.
Identifiers: ClinVar variation 445394 (VCV000445394.27), dbSNP rs769547477, ClinGen allele CA5039842.
Genomic context (GRCh38, chr9:35,076,030, plus strand): 5'-CCGAGCTATCCAGCAACAGGGCCAGCAGGTCCAAGTAATGCTCTGCAGCGTCTCCTGCCC[T>C]GAGGAGTAAAAGCCCATAAGCCTCACCCTAGGCCCTAGCAGGGAACCTGCAAGGGTCCTG-3'